The following is an entry in ClinVar:

NM_005543.4(INSL3):c.71C>G (p.Ala24Gly)

Gene: INSL3 (insulin like 3; minus strand). Cytogenetic location: 19p13.11.
Variant type: single nucleotide variant.
Coding change: c.71C>G on transcript NM_005543.4 (MANE Select); coding-DNA position 71, C replaced by G.
Protein change: p.Ala24Gly; replaces alanine 24 with glycine.
Molecular consequence: missense variant.
Genome position (GRCh38, 1-based): chr19:17,821,436, G>C on the plus strand (C>G on the coding strand, the complement: INSL3 is on the minus strand). VCF-style: chr19-17821436-G-C. GRCh37 (hg19) VCF-style: chr19-17932245-G-C.
Other names: c.71C>G, p.Ala24Gly (NM_001265587.2); short protein forms A24G.
Identifiers: ClinVar variation 3043920 (VCV003043920.2), dbSNP rs186828508, ClinGen allele CA9301318.

ClinVar aggregate classification (germline): Benign (0 of 4 stars; one submission).

Conditions:
INSL3-related disorder. Also called: INSL3-related condition.

Allele frequency attached by ClinVar (database versions not stated): 1000 Genomes Project 0.00020; ExAC 0.00026; 1000 Genomes Project 30x 0.00031; ESP Exome Variant Server 0.00059; TOPMed 0.00087; gnomAD exomes 0.00153; gnomAD 0.00164.
gnomAD v4.1: 2,357 of 1,544,556 alleles (0.15%); highest among the groups gnomAD compares: Non-Finnish European, 0.15%; 5 homozygotes.

Submission:

PreventionGenetics, part of Exact Sciences
Classification: Benign for INSL3-related condition. Last evaluated: 2021-02-05. Review status: no assertion criteria provided. Collection method: clinical testing. Allele origin: germline.
Comment: This variant is classified as benign based on ACMG/AMP sequence variant interpretation guidelines (Richards et al. 2015 PMID: 25741868, with internal and published modifications).